The following is an entry in ClinVar:

NM_024666.5(AAGAB):c.667C>T (p.Arg223Trp)

Gene: AAGAB (alpha and gamma adaptin binding protein; minus strand). Cytogenetic location: 15q23.
Variant type: single nucleotide variant.
Coding change: c.667C>T on transcript NM_024666.5 (MANE Select); coding-DNA position 667, C replaced by T.
Protein change: p.Arg223Trp; replaces arginine 223 with tryptophan.
Molecular consequence: missense variant.
Genome position (GRCh38, 1-based): chr15:67,208,610, G>A on the plus strand (C>T on the coding strand, the complement: AAGAB is on the minus strand). VCF-style: chr15-67208610-G-A. GRCh37 (hg19) VCF-style: chr15-67500948-G-A.
Other names: c.340C>T, p.Arg114Trp (NM_001271885.2, NM_001271886.2); short protein forms R114W, R223W.
Identifiers: ClinVar variation 2990957 (VCV002990957.3), dbSNP rs199749230, ClinGen allele CA7627020.

ClinVar aggregate classification (germline): Uncertain significance (1 of 4 stars; one submission).

Allele frequency attached by ClinVar (database versions not stated): gnomAD 0.00001; gnomAD exomes 0.00001; ExAC 0.00002; 1000 Genomes Project 0.00020; 1000 Genomes Project 30x 0.00031.
gnomAD v4.1: 13 of 1,614,150 alleles (0.00081%); highest among the groups gnomAD compares: Admixed American, 0.005%; no homozygotes.

Submission:

Labcorp Genetics (formerly Invitae), Labcorp
Classification: Uncertain significance. Last evaluated: 2022-12-04. Review status: criteria provided, single submitter. Criteria: Invitae Variant Classification Sherloc (09022015). Collection method: clinical testing. Allele origin: germline.
Comment: In summary, the available evidence is currently insufficient to determine the role of this variant in disease. Therefore, it has been classified as a Variant of Uncertain Significance. Algorithms developed to predict the effect of missense changes on protein structure and function are either unavailable or do not agree on the potential impact of this missense change (SIFT: "Tolerated"; PolyPhen-2: "Possibly Damaging"; Align-GVGD: "Class C0"). This variant has not been reported in the literature in individuals affected with AAGAB-related conditions. This variant is present in population databases (rs199749230, gnomAD 0.002%). This sequence change replaces arginine, which is basic and polar, with tryptophan, which is neutral and slightly polar, at codon 223 of the AAGAB protein (p.Arg223Trp).